The following is an entry in ClinVar:

NM_003242.6(TGFBR2):c.625C>T (p.Leu209Phe)

Gene: TGFBR2 (transforming growth factor beta receptor 2; plus strand). Cytogenetic location: 3p24.1.
Variant type: single nucleotide variant.
Coding change: c.625C>T on transcript NM_003242.6 (MANE Select); coding-DNA position 625, C replaced by T.
Protein change: p.Leu209Phe; replaces leucine 209 with phenylalanine.
Molecular consequence: missense variant.
Genome position (GRCh38, 1-based): chr3:30,671,808, C>T. VCF-style: chr3-30671808-C-T. GRCh37 (hg19) VCF-style: chr3-30713300-C-T.
Other names: c.700C>T, p.Leu234Phe (NM_001024847.3); c.808C>T, p.Leu270Phe (NM_001407126.1); c.733C>T, p.Leu245Phe (NM_001407127.1); c.652C>T, p.Leu218Phe (NM_001407128.1); c.628C>T, p.Leu210Phe (NM_001407129.1); c.625C>T, p.Leu209Phe (NM_001407130.1); c.520C>T, p.Leu174Phe (NM_001407132.1, NM_001407133.1, NM_001407134.1 and 2 more transcripts); c.340C>T, p.Leu114Phe (NM_001407137.1); and 1 more; short protein forms L234F, L209F, L89F, L218F, L270F, L174F, L245F, L114F.
Identifiers: ClinVar variation 925051 (VCV000925051.34), dbSNP rs1288771489, ClinGen allele CA351807509.

ClinVar aggregate classification (germline): Conflicting classifications of pathogenicity. Review status: criteria provided, conflicting classifications (1 of 4 stars). 7 submissions from 7 submitters: Uncertain significance (4); Likely benign (2). 1 of the submissions does not count toward it. Last evaluated 2025-08-14.

Conditions:
Familial thoracic aortic aneurysm and aortic dissection (TAAD). Also called: Thoracic aortic aneurysms and dissections. Identifiers: Orphanet 91387, MedGen C4707243, MONDO:0019625.
Loeys-Dietz syndrome 2 (LDS2). Also called: AORTIC ANEURYSM, FAMILIAL THORACIC 3; MARFAN SYNDROME, TYPE II; Marfan syndrome, type 2 (formerly); TGFBR2-Related Loeys-Dietz Syndrome; Marfan Syndrome type 2; Marfan like connective tissue disorder. Identifiers: Orphanet 284973, Orphanet 558, MedGen C2674574, MONDO:0012427, OMIM 610168.
TGFBR2-related disorder. Also called: TGFBR2-related condition.

Allele frequency attached by ClinVar (database versions not stated): gnomAD exomes below 0.00001.

Submissions (7):

Color Diagnostics, LLC DBA Color Health
Classification: Likely benign for Familial thoracic aortic aneurysm and aortic dissection. Last evaluated: 2025-08-14. Review status: criteria provided, single submitter. Criteria: ACMG Guidelines, 2015. Collection method: clinical testing. Allele origin: germline.

Ambry Genetics
Classification: Likely benign for Familial thoracic aortic aneurysm and aortic dissection. Last evaluated: 2025-04-17. Review status: criteria provided, single submitter. Criteria: Ambry Variant Classification Scheme 2023. Collection method: clinical testing. Allele origin: germline.

Labcorp Genetics (formerly Invitae), Labcorp
Classification: Uncertain significance for Familial thoracic aortic aneurysm and aortic dissection. Last evaluated: 2024-08-29. Review status: criteria provided, single submitter. Criteria: Invitae Variant Classification Sherloc (09022015). Collection method: clinical testing. Allele origin: germline.
Comment: This sequence change replaces leucine, which is neutral and non-polar, with phenylalanine, which is neutral and non-polar, at codon 209 of the TGFBR2 protein (p.Leu209Phe). This variant is present in population databases (no rsID available, gnomAD 0.0009%). This missense change has been observed in individual(s) with TGFBR2-related conditions (PMID: 30739908). ClinVar contains an entry for this variant (Variation ID: 925051). Invitae Evidence Modeling of protein sequence and biophysical properties (such as structural, functional, and spatial information, amino acid conservation, physicochemical variation, residue mobility, and thermodynamic stability) indicates that this missense variant is not expected to disrupt TGFBR2 protein function with a negative predictive value of 95%. In summary, the available evidence is currently insufficient to determine the role of this variant in disease. Therefore, it has been classified as a Variant of Uncertain Significance.

CeGaT Center for Human Genetics Tuebingen
Classification: Uncertain significance. Last evaluated: 2024-04-01. Review status: criteria provided, single submitter. Criteria: CeGaT Center For Human Genetics Tuebingen Variant Classification Criteria Version 2. Collection method: clinical testing. Allele origin: germline. Affected: yes. Observed: 1 variant allele.
Comment: TGFBR2: PM2:Supporting, PS4:Supporting, BP4

All of Us Research Program, National Institutes of Health
Classification: Uncertain significance for Loeys-Dietz syndrome 2. Last evaluated: 2023-05-08. Review status: criteria provided, single submitter. Criteria: ACMG Guidelines, 2015. Collection method: clinical testing. Allele origin: germline. Inheritance: Autosomal dominant inheritance. Observed: 1 variant allele, 1 heterozygote.
Comment: This missense variant replaces leucine with phenylalanine at codon 209 of the TGFBR2 protein. Computational prediction tools and conservation analyses are inconclusive regarding the impact of this variant on the protein function. Computational splicing tools suggest that this variant may not impact RNA splicing. To our knowledge, functional assays have not been performed for this variant nor has this variant been reported in individuals affected with cardiovascular disorders in the literature. This variant has been identified in 1/251152 chromosomes in the general population by the Genome Aggregation Database (gnomAD). Available evidence is insufficient to determine the role of this variant in disease conclusively. Therefore, this variant is classified as a Variant of Uncertain Significance.

This study involves interpretation of variants in research participants for the purpose of population health screening. Participant phenotype was not available at the time of variant classification. Additional details can be found in publication PMID: 35346344, PMCID: PMC8962531

GeneDx
Classification: Uncertain significance. Last evaluated: 2022-07-15. Review status: criteria provided, single submitter. Criteria: GeneDx Variant Classification Process June 2021. Collection method: clinical testing. Allele origin: germline. Affected: yes.
Comment: Reported in a patient with non-syndromic TAAD (Arnaud et al., 2019); In silico analysis supports that this missense variant does not alter protein structure/function; Not observed at significant frequency in large population cohorts (gnomAD); This variant is associated with the following publications: (PMID: 30739908)

PreventionGenetics, part of Exact Sciences
Classification: Uncertain significance for TGFBR2-related condition. Last evaluated: 2024-03-19. Review status: no assertion criteria provided. Collection method: clinical testing. Allele origin: germline. Not counted in ClinVar's aggregate classification.
Comment: The TGFBR2 c.625C>T variant is predicted to result in the amino acid substitution p.Leu209Phe. This variant was reported in an individual with nonsyndromic heritable thoracic aortic aneurysms and dissections (nshTAAD) (Arnaud et al. 2019. PubMed ID: 30739908). This variant is reported in 0.00088% of alleles in individuals of European (Non-Finnish) descent in gnomAD . At this time, the clinical significance of this variant is uncertain due to the absence of conclusive functional and genetic evidence.

Literature cited by the submitters: PubMed 30739908 (cited by Ambry Genetics and Labcorp Genetics (formerly Invitae), Labcorp).